The following is an entry in ClinVar:

NM_001048174.2(MUTYH):c.920A>C (p.Asn307Thr)

Gene: MUTYH (mutY DNA glycosylase; minus strand). Cytogenetic location: 1p34.1.
Variant type: single nucleotide variant.
Coding change: c.920A>C on transcript NM_001048174.2 (MANE Select); coding-DNA position 920, A replaced by C.
Protein change: p.Asn307Thr; replaces asparagine 307 with threonine.
Molecular consequence: missense variant. On other transcripts: non-coding transcript variant (7).
Genome position (GRCh38, 1-based): chr1:45,331,843, T>G on the plus strand (A>C on the coding strand, the complement: MUTYH is on the minus strand). VCF-style: chr1-45331843-T-G. GRCh37 (hg19) VCF-style: chr1-45797515-T-G.
Other names: c.920A>C, p.Asn307Thr (NM_001048171.2, NM_001048173.2, NM_001293195.2 and 6 more transcripts); c.923A>C, p.Asn308Thr (NM_001048172.2, NM_001407071.1, NM_001407078.1 and 1 more transcripts); c.1004A>C, p.Asn335Thr (NM_001128425.2); c.965A>C, p.Asn322Thr (NM_001293190.2); c.953A>C, p.Asn318Thr (NM_001293191.2, NM_001407069.1, NM_001407077.1); c.644A>C, p.Asn215Thr (NM_001293192.2, NM_001293196.2, NM_001407091.1); c.575A>C, p.Asn192Thr (NM_001350650.2, NM_001350651.2, NM_001407082.1); c.836A>C, p.Asn279Thr (NM_001407075.1); and 5 more; short protein forms N279T, N321T, N294T, N308T, N314T, N322T, N335T, N192T.
Identifiers: ClinVar variation 4112911 (VCV004112911.1).
Genomic context (GRCh38, chr1:45,331,843, plus strand): 5'-ACTCCCAGGGTCTGGTCCCAGGGCTCCGAGGGAGGCAGGCACAGGTGGCACTGTCCAGTG[T>G]TGGGAGCTGGGAACGGAGATCCCCGAACCCTACTCAAGCCAAGAGGGCTTTAGGGGCCAA-3'
Protein context (NP_001041639.1, residues 297-317): GSPDVEECAP[Asn307Thr]TGQCHLCLPP

ClinVar aggregate classification (germline): Uncertain significance (1 of 4 stars; one submission).

Conditions:
Hereditary cancer-predisposing syndrome. Also called: Tumor predisposition; Neoplastic Syndromes, Hereditary; Hereditary neoplastic syndrome; Hereditary Cancer Syndrome. Identifiers: Orphanet 140162, MedGen C0027672, MeSH D009386, MONDO:0015356.

Submission:

Ambry Genetics
Classification: Uncertain significance for Hereditary cancer-predisposing syndrome. Last evaluated: 2025-08-27. Review status: criteria provided, single submitter. Criteria: Ambry Variant Classification Scheme 2023. Collection method: clinical testing. Allele origin: germline.
Comment: The p.N335T variant (also known as c.1004A>C), located in coding exon 12 of the MUTYH gene, results from an A to C substitution at nucleotide position 1004. The asparagine at codon 335 is replaced by threonine, an amino acid with similar properties. This amino acid position is conserved. In addition, this alteration is predicted to be tolerated by in silico analysis. Based on the available evidence, the clinical significance of this variant remains unclear.